The following is an entry in ClinVar:

ClinVar aggregate classification (germline): Likely benign. Review status: criteria provided, multiple submitters, no conflicts (2 of 4 stars). 4 submissions from 4 submitters: Likely benign (4). Last evaluated 2025-06-08.

Conditions:
Cardiovascular phenotype. Identifiers: MedGen CN230736.
Catecholaminergic polymorphic ventricular tachycardia (CVPT). Also called: Catecholamine-induced polymorphic ventricular tachycardia. Identifiers: Orphanet 3286, MedGen C5574922, MONDO:0017990.
Cardiomyopathy (CMYO). Also called: Cardiomyopathies. Identifiers: Orphanet 167848, MedGen C0878544, MONDO:0004994, HP:0001638. Inheritance: Various modes of inheritance.
Catecholaminergic polymorphic ventricular tachycardia 1. Also called: VENTRICULAR TACHYCARDIA, CATECHOLAMINERGIC POLYMORPHIC, 1, WITH OR WITHOUT ATRIAL DYSFUNCTION AND/OR DILATED CARDIOMYOPATHY; RYR2-Related Catecholaminergic Polymorphic Ventricular Tachycardia; VENTRICULAR TACHYCARDIA, STRESS-INDUCED POLYMORPHIC 1. Identifiers: Orphanet 3286, MedGen C1631597, MONDO:0011484, OMIM 604772.

Allele frequency attached by ClinVar (database versions not stated): gnomAD 0.00001.
gnomAD v4.1: 17 of 1,613,712 alleles (0.0011%); highest among the groups gnomAD compares: East Asian, 0.0022%; no homozygotes.

Submissions (4):

Labcorp Genetics (formerly Invitae), Labcorp
Classification: Likely benign for Catecholaminergic polymorphic ventricular tachycardia 1. Last evaluated: 2025-06-08. Review status: criteria provided, single submitter. Criteria: Invitae Variant Classification Sherloc (09022015). Collection method: clinical testing. Allele origin: germline.

All of Us Research Program, National Institutes of Health
Classification: Likely benign for Catecholaminergic polymorphic ventricular tachycardia. Last evaluated: 2023-10-30. Review status: criteria provided, single submitter. Criteria: ACMG Guidelines, 2015. Collection method: clinical testing. Allele origin: germline. Inheritance: Autosomal dominant inheritance. Observed: 2 variant alleles, 2 heterozygotes.
Comment: This study involves interpretation of variants in research participants for the purpose of population health screening. Participant phenotype was not available at the time of variant classification. Additional details can be found in publication PMID: 35346344, PMCID: PMC8962531

Color Diagnostics, LLC DBA Color Health
Classification: Likely benign for Cardiomyopathy. Last evaluated: 2023-04-19. Review status: criteria provided, single submitter. Criteria: ACMG Guidelines, 2015. Collection method: clinical testing. Allele origin: germline.

Ambry Genetics
Classification: Likely benign for Cardiovascular phenotype. Last evaluated: 2020-05-18. Review status: criteria provided, single submitter. Criteria: Ambry Variant Classification Scheme 2023. Collection method: clinical testing. Allele origin: germline.

NM_001035.3(RYR2):c.6957C>T (p.Val2319=)

Gene: RYR2 (ryanodine receptor 2; plus strand). Cytogenetic location: 1q43.
Variant type: single nucleotide variant.
Coding change: c.6957C>T on transcript NM_001035.3 (MANE Select); coding-DNA position 6957, C replaced by T.
Protein change: p.Val2319=; no amino-acid change (valine 2319 retained).
Molecular consequence: synonymous variant.
Genome position (GRCh38, 1-based): chr1:237,639,043, C>T. VCF-style: chr1-237639043-C-T. GRCh37 (hg19) VCF-style: chr1-237802343-C-T.
Other names: c.6957C>T, p.Val2319= (LRG_402t1).
Identifiers: ClinVar variation 238240 (VCV000238240.16), dbSNP rs768367111, ClinGen allele CA075343.